The following is an entry in ClinVar:

ClinVar aggregate classification (germline): Likely benign (1 of 4 stars; one submission).

gnomAD v4.1: 53 of 1,612,842 alleles (0.0033%); highest among the groups gnomAD compares: South Asian, 0.04%; no homozygotes.

Submission:

CeGaT Center for Human Genetics Tuebingen
Classification: Likely benign. Last evaluated: 2026-07-01. Review status: criteria provided, single submitter. Criteria: CeGaT Center For Human Genetics Tuebingen Variant Classification Criteria Version 2. Collection method: clinical testing. Allele origin: germline. Affected: yes. Observed: 1 variant allele.
Comment: TRAF7: BP4, BP7

NM_032271.3(TRAF7):c.852C>T (p.Phe284=)

Gene: TRAF7 (TNF receptor associated factor 7; plus strand). Cytogenetic location: 16p13.3.
Variant type: single nucleotide variant.
Coding change: c.852C>T on transcript NM_032271.3 (MANE Select); coding-DNA position 852, C replaced by T.
Protein change: p.Phe284=; no amino-acid change (phenylalanine 284 retained).
Molecular consequence: synonymous variant.
Genome position (GRCh38, 1-based): chr16:2,173,239, C>T. VCF-style: chr16-2173239-C-T. GRCh37 (hg19) VCF-style: chr16-2223240-C-T.
Identifiers: ClinVar variation 5039488 (VCV005039488.1).